The following is an entry in ClinVar:

ClinVar aggregate classification (germline): Uncertain significance (0 of 4 stars; one submission).

Conditions:
CPE-related disorder. Also called: CPE-related condition.

Allele frequency attached by ClinVar (database versions not stated): gnomAD exomes below 0.00001.
gnomAD v4.1: 4 of 1,613,180 alleles (0.00025%); highest among the groups gnomAD compares: Admixed American, 0.0067%; no homozygotes.

Submission:

PreventionGenetics, part of Exact Sciences
Classification: Uncertain significance for CPE-related condition. Last evaluated: 2023-12-13. Review status: no assertion criteria provided. Collection method: clinical testing. Allele origin: germline.
Comment: The CPE c.692C>G variant is predicted to result in the amino acid substitution p.Ala231Gly. To our knowledge, this variant has not been reported in the literature. This variant is reported in 0.012% of alleles in individuals of Latino descent in gnomAD. At this time, the clinical significance of this variant is uncertain due to the absence of conclusive functional and genetic evidence.

NM_001873.4(CPE):c.692C>G (p.Ala231Gly)

Gene: CPE (carboxypeptidase E; plus strand). Cytogenetic location: 4q32.3.
Variant type: single nucleotide variant.
Coding change: c.692C>G on transcript NM_001873.4 (MANE Select); coding-DNA position 692, C replaced by G.
Protein change: p.Ala231Gly; replaces alanine 231 with glycine.
Molecular consequence: missense variant.
Genome position (GRCh38, 1-based): chr4:165,482,261, C>G. VCF-style: chr4-165482261-C-G. GRCh37 (hg19) VCF-style: chr4-166403413-C-G.
Other names: short protein forms A231G.
Identifiers: ClinVar variation 3052180 (VCV003052180.2), dbSNP rs1253155015, ClinGen allele CA358685500.
Genomic context (GRCh38, chr4:165,482,261, plus strand): 5'-ATTATTAAATTTATAATCCTTTTAATCTCTCATCTGAACAGCTTGCTCCTGAGACCAAGG[C>G]TGTCATTCATTGGATTATGGATATTCCTTTTGTGCTTTCTGCCAATCTCCATGGAGGAGA-3'
Protein context (NP_001864.1, residues 221-241): QNTKLAPETK[Ala231Gly]VIHWIMDIPF